The following is an entry in ClinVar:

ClinVar aggregate classification (germline): Uncertain significance (1 of 4 stars; one submission).

Conditions:
Spastic paraplegia. Identifiers: MedGen C0037772, HP:0001258.

Submission:

Labcorp Genetics (formerly Invitae), Labcorp
Classification: Uncertain significance for Spastic paraplegia. Last evaluated: 2022-12-06. Review status: criteria provided, single submitter. Criteria: Invitae Variant Classification Sherloc (09022015). Collection method: clinical testing. Allele origin: germline.
Comment: This variant is not present in population databases (gnomAD no frequency). In summary, the available evidence is currently insufficient to determine the role of this variant in disease. Therefore, it has been classified as a Variant of Uncertain Significance. Advanced modeling of protein sequence and biophysical properties (such as structural, functional, and spatial information, amino acid conservation, physicochemical variation, residue mobility, and thermodynamic stability) performed at Invitae indicates that this missense variant is not expected to disrupt L1CAM protein function. ClinVar contains an entry for this variant (Variation ID: 1513685). This variant has not been reported in the literature in individuals affected with L1CAM-related conditions. This sequence change replaces glycine, which is neutral and non-polar, with glutamic acid, which is acidic and polar, at codon 1245 of the L1CAM protein (p.Gly1245Glu).

NM_001278116.2(L1CAM):c.3734G>A (p.Gly1245Glu)

Gene: L1CAM (L1 cell adhesion molecule; minus strand). Cytogenetic location: Xq28.
Variant type: single nucleotide variant.
Coding change: c.3734G>A on transcript NM_001278116.2 (MANE Select); coding-DNA position 3734, G replaced by A.
Protein change: p.Gly1245Glu; replaces glycine 1245 with glutamic acid.
Molecular consequence: missense variant.
Genome position (GRCh38, 1-based): chrX:153,862,703, C>T on the plus strand (G>A on the coding strand, the complement: L1CAM is on the minus strand). VCF-style: chrX-153862703-C-T. GRCh37 (hg19) VCF-style: chrX-153128158-C-T.
Other names: c.3734G>A, p.Gly1245Glu (NM_000425.5); c.3707G>A, p.Gly1236Glu (NM_001143963.2); c.3722G>A, p.Gly1241Glu (NM_024003.3); short protein forms G1236E, G1245E, G1241E.
Identifiers: ClinVar variation 1513685 (VCV001513685.6), dbSNP rs2148491886, ClinGen allele CA415105903.
Genomic context (GRCh38, chrX:153,862,703, plus strand): 5'-ATCTCCTGTCCTGGACTCCACTATTCTAGGGCCACGGCAGGGTTGATGGGGGAAGTGGCC[C>T]CTGAGCTGTCATTGCCCCCTGCCGCCTCCTTCTCCTTCTTGCCACTGTACTGGCCAATGA-3'
Protein context (NP_001265045.1, residues 1235-1255): KEAAGGNDSS[Gly1245Glu]ATSPINPAVA